The following is an entry in ClinVar:

NM_173628.4(DNAH17):c.3931A>G (p.Ile1311Val)

Gene: DNAH17 (dynein axonemal heavy chain 17; minus strand). Cytogenetic location: 17q25.3.
Variant type: single nucleotide variant.
Coding change: c.3931A>G on transcript NM_173628.4 (MANE Select); coding-DNA position 3931, A replaced by G.
Protein change: p.Ile1311Val; replaces isoleucine 1311 with valine.
Molecular consequence: missense variant.
Genome position (GRCh38, 1-based): chr17:78,514,956, T>C on the plus strand (A>G on the coding strand, the complement: DNAH17 is on the minus strand). VCF-style: chr17-78514956-T-C. GRCh37 (hg19) VCF-style: chr17-76511038-T-C.
Other names: short protein forms I1311V.
Identifiers: ClinVar variation 3037573 (VCV003037573.2), dbSNP rs17655792, ClinGen allele CA8803958.

ClinVar aggregate classification (germline): Benign (0 of 4 stars; one submission).

Conditions:
DNAH17-related disorder. Also called: DNAH17-related condition.

Allele frequency attached by ClinVar (database versions not stated): 1000 Genomes Project 0.01118; 1000 Genomes Project 30x 0.01187; ESP Exome Variant Server 0.01965; gnomAD 0.02040; TOPMed 0.02040; ExAC 0.02202.
gnomAD v4.1: 39,143 of 1,614,028 alleles (2.4%); highest among the groups gnomAD compares: Middle Eastern, 5.6%; 578 homozygotes.

Submission:

PreventionGenetics, part of Exact Sciences
Classification: Benign for DNAH17-related condition. Last evaluated: 2019-03-14. Review status: no assertion criteria provided. Collection method: clinical testing. Allele origin: germline.
Comment: This variant is classified as benign based on ACMG/AMP sequence variant interpretation guidelines (Richards et al. 2015 PMID: 25741868, with internal and published modifications).